The following is an entry in ClinVar:

NM_000059.4(BRCA2):c.8192A>T (p.Gln2731Leu)

Gene: BRCA2 (BRCA2 DNA repair associated; plus strand). Cytogenetic location: 13q13.1.
Variant type: single nucleotide variant.
Coding change: c.8192A>T on transcript NM_000059.4 (MANE Select); coding-DNA position 8192, A replaced by T.
Protein change: p.Gln2731Leu; replaces glutamine 2731 with leucine.
Molecular consequence: missense variant. On other transcripts: non-coding transcript variant (1).
Genome position (GRCh38, 1-based): chr13:32,363,394, A>T. VCF-style: chr13-32363394-A-T. GRCh37 (hg19) VCF-style: chr13-32937531-A-T.
Other names: c.8096A>T, p.Gln2699Leu (NM_001406719.1); c.8192A>T, p.Gln2731Leu (NM_001406720.1, NM_001432077.1); c.3260A>T, p.Gln1087Leu (NM_001406721.1); c.1775A>T, p.Gln592Leu (NM_001406722.1); short protein forms Q1087L, Q2699L, Q2731L, Q592L.
Identifiers: ClinVar variation 3364437 (VCV003364437.1).

ClinVar aggregate classification (germline): Uncertain significance (1 of 4 stars; one submission).

Submission:

GeneDx
Classification: Uncertain significance. Last evaluated: 2023-11-16. Review status: criteria provided, single submitter. Criteria: GeneDx Variant Classification Process June 2021. Collection method: clinical testing. Allele origin: germline. Affected: yes.
Comment: Not observed at significant frequency in large population cohorts (gnomAD); In silico analysis supports that this missense variant does not alter protein structure/function; Has not been previously published as pathogenic or benign to our knowledge; Also known as 8420A>T; This variant is associated with the following publications: (PMID: 12228710)